The following is an entry in ClinVar:

NM_001127222.2(CACNA1A):c.2620T>G (p.Ser874Ala)

Gene: CACNA1A (calcium voltage-gated channel subunit alpha1 A; minus strand). Cytogenetic location: 19p13.13.
Variant type: single nucleotide variant.
Coding change: c.2620T>G on transcript NM_001127222.2 (MANE Select); coding-DNA position 2620, T replaced by G.
Protein change: p.Ser874Ala; replaces serine 874 with alanine.
Molecular consequence: missense variant.
Genome position (GRCh38, 1-based): chr19:13,299,013, A>C on the plus strand (T>G on the coding strand, the complement: CACNA1A is on the minus strand). VCF-style: chr19-13299013-A-C. GRCh37 (hg19) VCF-style: chr19-13409827-A-C.
Other names: c.2632T>G, p.Ser878Ala (NM_000068.4, NM_023035.3); c.2623T>G, p.Ser875Ala (NM_001127221.2, NM_001174080.2); short protein forms S875A, S878A, S874A.
Identifiers: ClinVar variation 374436 (VCV000374436.34), dbSNP rs751675055, ClinGen allele CA9240516.

ClinVar aggregate classification (germline): Uncertain significance. Review status: criteria provided, multiple submitters, no conflicts (2 of 4 stars). 3 submissions from 3 submitters: Uncertain significance (3). Last evaluated 2025-03-29.

Conditions:
Developmental and epileptic encephalopathy, 42 (DEE42A). Also called: DEVELOPMENTAL AND EPILEPTIC ENCEPHALOPATHY 42A; EPILEPTIC ENCEPHALOPATHY, EARLY INFANTILE, 42A; Epileptic encephalopathy, early infantile, 42. Identifiers: MedGen C4310716, MONDO:0014917, OMIM 617106.
Episodic ataxia type 2 (EA2). Also called: ACETAZOLAMIDE-RESPONSIVE HEREDITARY PAROXYSMAL CEREBELLAR ATAXIA; ATAXIA, EPISODIC, WITH NYSTAGMUS; ATAXIA, FAMILIAL PAROXYSMAL; CEREBELLAR ATAXIA, PAROXYSMAL, ACETAZOLAMIDE-RESPONSIVE; CEREBELLOPATHY, HEREDITARY PAROXYSMAL; EPISODIC ATAXIA, NYSTAGMUS-ASSOCIATED. Identifiers: Orphanet 97, MedGen C1720416, MONDO:0007163, OMIM 108500.

Allele frequency attached by ClinVar (database versions not stated): ExAC 0.00001; gnomAD exomes 0.00001; TOPMed 0.00001.
gnomAD v4.1: 24 of 1,587,066 alleles (0.0015%); highest among the groups gnomAD compares: Non-Finnish European, 0.002%; no homozygotes.

Submissions (3):

Labcorp Genetics (formerly Invitae), Labcorp
Classification: Uncertain significance for Developmental and epileptic encephalopathy, 42; Episodic ataxia type 2. Last evaluated: 2025-03-29. Review status: criteria provided, single submitter. Criteria: Invitae Variant Classification Sherloc (09022015). Collection method: clinical testing. Allele origin: germline.
Comment: This sequence change replaces serine, which is neutral and polar, with alanine, which is neutral and non-polar, at codon 875 of the CACNA1A protein (p.Ser875Ala). This variant is present in population databases (rs751675055, gnomAD 0.002%). This variant has not been reported in the literature in individuals affected with CACNA1A-related conditions. ClinVar contains an entry for this variant (Variation ID: 374436). Invitae Evidence Modeling of protein sequence and biophysical properties (such as structural, functional, and spatial information, amino acid conservation, physicochemical variation, residue mobility, and thermodynamic stability) indicates that this missense variant is not expected to disrupt CACNA1A protein function with a negative predictive value of 95%. In summary, the available evidence is currently insufficient to determine the role of this variant in disease. Therefore, it has been classified as a Variant of Uncertain Significance.

CeGaT Center for Human Genetics Tuebingen
Classification: Uncertain significance. Last evaluated: 2023-07-01. Review status: criteria provided, single submitter. Criteria: CeGaT Center For Human Genetics Tuebingen Variant Classification Criteria Version 2. Collection method: clinical testing. Allele origin: germline. Affected: yes. Observed: 1 variant allele.
Comment: CACNA1A: PP2, PP3

GeneDx
Classification: Uncertain significance. Last evaluated: 2021-07-01. Review status: criteria provided, single submitter. Criteria: GeneDx Variant Classification Process June 2021. Collection method: clinical testing. Allele origin: germline. Affected: yes.
Comment: Not observed at significant frequency in large population cohorts (Lek et al., 2016); In silico analysis supports that this missense variant does not alter protein structure/function; Has not been previously published as pathogenic or benign to our knowledge; This variant is associated with the following publications: (PMID: 27535533)